The following is an entry in ClinVar:

NM_025009.5(CEP135):c.305-2A>T

Gene: CEP135 (centrosomal protein 135; plus strand). Cytogenetic location: 4q12.
Variant type: single nucleotide variant.
Coding change: c.305-2A>T on transcript NM_025009.5 (MANE Select); the canonical splice acceptor site of the intron before coding-DNA position 305, A replaced by T.
Molecular consequence: splice acceptor variant.
Genome position (GRCh38, 1-based): chr4:55,954,214, A>T. VCF-style: chr4-55954214-A-T. GRCh37 (hg19) VCF-style: chr4-56820380-A-T.
Identifiers: ClinVar variation 3727605 (VCV003727605.2).
Genomic context (GRCh38, chr4:55,954,214, plus strand): 5'-TGGAAAAACTTCATTGGATTTCTTGATCTTTAAAACGGTCTTTGAATCTTTTTCATTTTA[A>T]GAGTTGAAAACTTCATTGAAGAAATGTGCACGTGAAACAGCTGATCTGAAATTTCTGAAT-3'

ClinVar aggregate classification (germline): Likely pathogenic (1 of 4 stars; one submission).

gnomAD v4.1: 1 of 1,562,660 alleles (0.000064%); highest among the groups gnomAD compares: Admixed American, 0.0021%; no homozygotes.

Submission:

Labcorp Genetics (formerly Invitae), Labcorp
Classification: Likely pathogenic. Last evaluated: 2024-12-19. Review status: criteria provided, single submitter. Criteria: Invitae Variant Classification Sherloc (09022015). Collection method: clinical testing. Allele origin: germline.
Comment: This sequence change affects an acceptor splice site in intron 3 of the CEP135 gene. It is expected to disrupt RNA splicing. Variants that disrupt the donor or acceptor splice site typically lead to a loss of protein function (PMID: 16199547), and loss-of-function variants in CEP135 are known to be pathogenic (PMID: 22521416, 26657937). This variant is not present in population databases (gnomAD no frequency). This variant has not been reported in the literature in individuals affected with CEP135-related conditions. Algorithms developed to predict the effect of sequence changes on RNA splicing suggest that this variant may disrupt the consensus splice site. In summary, the currently available evidence indicates that the variant is pathogenic, but additional data are needed to prove that conclusively. Therefore, this variant has been classified as Likely Pathogenic.

Literature cited by the submitters: PubMed 16199547; PubMed 22521416; PubMed 26657937.